The following is an entry in ClinVar:

ClinVar aggregate classification (germline): Uncertain significance (1 of 4 stars; one submission).

Conditions:
Ullrich congenital muscular dystrophy 2 (UCMD2). Identifiers: Orphanet 75840, MedGen C4225314, MONDO:0014654, OMIM 616470.
Bethlem myopathy 2 (BTHLM2). Identifiers: Orphanet 536516, Orphanet 610, MedGen C4225313, MONDO:0034022, OMIM 616471.

Submission:

Labcorp Genetics (formerly Invitae), Labcorp
Classification: Uncertain significance for Bethlem myopathy 2; Ullrich congenital muscular dystrophy 2. Last evaluated: 2024-11-09. Review status: criteria provided, single submitter. Criteria: Invitae Variant Classification Sherloc (09022015). Collection method: clinical testing. Allele origin: germline.
Comment: This sequence change replaces threonine, which is neutral and polar, with alanine, which is neutral and non-polar, at codon 2219 of the COL12A1 protein (p.Thr2219Ala). This variant is not present in population databases (gnomAD no frequency). This variant has not been reported in the literature in individuals affected with COL12A1-related conditions. Invitae Evidence Modeling of protein sequence and biophysical properties (such as structural, functional, and spatial information, amino acid conservation, physicochemical variation, residue mobility, and thermodynamic stability) indicates that this missense variant is not expected to disrupt COL12A1 protein function with a negative predictive value of 80%. In summary, the available evidence is currently insufficient to determine the role of this variant in disease. Therefore, it has been classified as a Variant of Uncertain Significance.

NM_004370.6(COL12A1):c.6655A>G (p.Thr2219Ala)

Gene: COL12A1 (collagen type XII alpha 1 chain; minus strand). Cytogenetic location: 6q13.
Variant type: single nucleotide variant.
Coding change: c.6655A>G on transcript NM_004370.6 (MANE Select); coding-DNA position 6655, A replaced by G.
Protein change: p.Thr2219Ala; replaces threonine 2219 with alanine.
Molecular consequence: missense variant.
Genome position (GRCh38, 1-based): chr6:75,124,324, T>C on the plus strand (A>G on the coding strand, the complement: COL12A1 is on the minus strand). VCF-style: chr6-75124324-T-C. GRCh37 (hg19) VCF-style: chr6-75834040-T-C.
Other names: c.6655A>G, p.Thr2219Ala (NM_001424113.1); c.6634A>G, p.Thr2212Ala (NM_001424114.1); c.6382A>G, p.Thr2128Ala (NM_001424115.1); c.3163A>G, p.Thr1055Ala (NM_001424116.1, NM_080645.3); short protein forms T1055A, T2128A, T2212A, T2219A.
Identifiers: ClinVar variation 3750216 (VCV003750216.2).